The following is an entry in ClinVar:

ClinVar aggregate classification (germline): Benign (1 of 4 stars; one submission).

Conditions:
Anemia, nonspherocytic hemolytic, due to G6PD deficiency (CNSHA1). Also called: Hemolytic anemia due to G6PD deficiency; Class I glucose-6-phosphate dehydrogenase deficiency; Favism, susceptibility to; ANEMIA, CONGENITAL, NONSPHEROCYTIC HEMOLYTIC, 1. Identifiers: Orphanet 466026, MedGen C2720289, MONDO:0010480, OMIM 300908.

Submission:

Dunham Lab, University of Washington
Classification: Benign for Anemia, nonspherocytic hemolytic, due to G6PD deficiency. Last evaluated: 2022-08-12. Review status: criteria provided, single submitter. Criteria: ACMG Guidelines, 2015. Collection method: curation. Allele origin: unknown.
Comment: Variant found at a frequency of over 32% in gnomAD (BA1).

NM_001360016.2(G6PD):c.121-4460del

Gene: G6PD (glucose-6-phosphate dehydrogenase; minus strand). Cytogenetic location: Xq28.
Variant type: Deletion.
Coding change: c.121-4460del on transcript NM_001360016.2 (MANE Select); 4460 bases into the intron before coding-DNA position 121, one base deleted (C; older notation c.121-4460delC).
Molecular consequence: intron variant.
Genome position (GRCh38, 1-based): chrX:154,540,638, G deleted on the plus strand (C on the coding strand, the reverse complement: G6PD is on the minus strand). VCF-style (leftmost placement, unchanged base first): chrX-154540637-CG-C. GRCh37 (hg19) VCF-style: chrX-153768851-CG-C.
Other names: c.211-4460del (NM_000402.4); c.121-4460del (NM_001042351.3).
Identifiers: ClinVar variation 1722729 (VCV001722729.2), dbSNP rs1244739909, ClinGen allele CA645179085.